The following is an entry in ClinVar:

NM_006231.4(POLE):c.1954G>A (p.Ala652Thr)

Gene: POLE (DNA polymerase epsilon, catalytic subunit; minus strand). Cytogenetic location: 12q24.33.
Variant type: single nucleotide variant.
Coding change: c.1954G>A on transcript NM_006231.4 (MANE Select); coding-DNA position 1954, G replaced by A.
Protein change: p.Ala652Thr; replaces alanine 652 with threonine.
Molecular consequence: missense variant.
Genome position (GRCh38, 1-based): chr12:132,668,707, C>T on the plus strand (G>A on the coding strand, the complement: POLE is on the minus strand). VCF-style: chr12-132668707-C-T. GRCh37 (hg19) VCF-style: chr12-133245293-C-T.
Other names: short protein forms A652T.
Identifiers: ClinVar variation 4862327 (VCV004862327.1).

ClinVar aggregate classification (germline): Uncertain significance (1 of 4 stars; one submission).

Conditions:
Hereditary cancer-predisposing syndrome. Also called: Neoplastic Syndromes, Hereditary; Tumor predisposition; Hereditary Cancer Syndrome; Hereditary neoplastic syndrome. Identifiers: Orphanet 140162, MedGen C0027672, MeSH D009386, MONDO:0015356.

Submission:

Ambry Genetics
Classification: Uncertain significance for Hereditary cancer-predisposing syndrome. Last evaluated: 2026-05-22. Review status: criteria provided, single submitter. Criteria: Ambry Variant Classification Scheme 2023. Collection method: clinical testing. Allele origin: germline.
Comment: The p.A652T variant (also known as c.1954G>A), located in coding exon 18 of the POLE gene, results from a G to A substitution at nucleotide position 1954. The alanine at codon 652 is replaced by threonine, an amino acid with similar properties. This amino acid position is conserved. In addition, the in silico prediction for this alteration is inconclusive. Based on the available evidence, the clinical significance of this variant remains unclear.